The following is an entry in ClinVar:

ClinVar aggregate classification (germline): Likely pathogenic (1 of 4 stars; one submission).

Conditions:
Epidermolysis bullosa dystrophica. Also called: Dystrophic epidermolysis bullosa, Hallopeau-Siemens type (formerly); Dystrophic epidermolysis bullosa. Identifiers: Orphanet 303, MedGen C0079294, MONDO:0006543.

Submission:

Natera, Inc.
Classification: Likely pathogenic for Dystrophic epidermolysis bullosa. Last evaluated: 2025-08-25. Review status: criteria provided, single submitter. Criteria: Natera Variant Classification Schema (03/2026). Collection method: clinical testing. Allele origin: germline.
Comment: The c.6566G>T variant in COL7A1 is a missense variant predicted to cause substitution of glycine to valine at amino acid 2189. This variant is rare in the general population with a frequency below the threshold expected for the associated phenotype(s). This variant has been observed in one or more individuals affected with the associated recessive disease, as either homozygous or compound heterozygous with a second variant (PMID: 22266148). This variant has been identified in one or more affected individual with a phenotype highly consistent with the associated gene (PMID: 22266148). Computational prediction algorithms indicate this variant is likely to affect gene or protein function. Given the available evidence, this variant is classified as Likely Pathogenic.

Literature cited by the submitters: PubMed 22266148.

NM_000094.4(COL7A1):c.6566G>T (p.Gly2189Val)

Gene: COL7A1 (collagen type VII alpha 1 chain; minus strand). Cytogenetic location: 3p21.31.
Variant type: single nucleotide variant.
Coding change: c.6566G>T on transcript NM_000094.4 (MANE Select); coding-DNA position 6566, G replaced by T.
Protein change: p.Gly2189Val; replaces glycine 2189 with valine.
Molecular consequence: missense variant.
Genome position (GRCh38, 1-based): chr3:48,573,697, C>A on the plus strand (G>T on the coding strand, the complement: COL7A1 is on the minus strand). VCF-style: chr3-48573697-C-A. GRCh37 (hg19) VCF-style: chr3-48611130-C-A.
Other names: short protein forms G2189V.
Identifiers: ClinVar variation 4817393 (VCV004817393.1).
Genomic context (GRCh38, chr3:48,573,697, plus strand): 5'-GCCTATCCCAGCCCTTCCAGACCCTCACCAGGCAGTGTTCCCTGGTCACTCACCGGGGCA[C>A]CAGGTGGTCCAGGGTCTCCATGACCACCCTGTTGTGGCGAAAAAGAGTCTGATGAGGGGG-3'
Protein context (NP_000085.1, residues 2179-2199): VGGHGDPGPP[Gly2189Val]APGLAGPAGP